The following is an entry in ClinVar:

ClinVar aggregate classification (germline): Uncertain significance (1 of 4 stars; one submission).

Conditions:
Amyotrophic lateral sclerosis type 1 (ALS1). Also called: AMYOTROPHIC LATERAL SCLEROSIS 1, FAMILIAL. Identifiers: Orphanet 803, MedGen C1862939, MONDO:0007103, OMIM 105400.
Neuronopathy, distal hereditary motor, type 7B. Also called: NEURONOPATHY, DISTAL HEREDITARY MOTOR, AUTOSOMAL DOMINANT 14; NEURONOPATHY, DISTAL HEREDITARY MOTOR, HARDING TYPE VIIB; NEUROPATHY, DISTAL HEREDITARY MOTOR, HARDING TYPE VIIB; NEUROPATHY, DISTAL HEREDITARY MOTOR, WITH VOCAL CORD PARALYSIS, HARDING TYPE VIIB; HMN VIIB; LOWER MOTOR NEURON DISEASE, DYNACTIN TYPE. Identifiers: Orphanet 139589, MedGen C1843315, MONDO:0011879, OMIM 607641.
Perry syndrome. Also called: PARKINSONISM WITH ALVEOLAR HYPOVENTILATION AND MENTAL DEPRESSION. Identifiers: Orphanet 178509, MedGen C1868594, MONDO:0008201, OMIM 168605.

Allele frequency attached by ClinVar (database versions not stated): TOPMed below 0.00001.

Submission:

Labcorp Genetics (formerly Invitae), Labcorp
Classification: Uncertain significance for Amyotrophic lateral sclerosis type 1; Neuronopathy, distal hereditary motor, type 7B; Perry syndrome. Last evaluated: 2025-02-17. Review status: criteria provided, single submitter. Criteria: Invitae Variant Classification Sherloc (09022015). Collection method: clinical testing. Allele origin: germline.
Comment: This sequence change replaces alanine, which is neutral and non-polar, with glycine, which is neutral and non-polar, at codon 1117 of the DCTN1 protein (p.Ala1117Gly). This variant is not present in population databases (gnomAD no frequency). This variant has not been reported in the literature in individuals affected with DCTN1-related conditions. ClinVar contains an entry for this variant (Variation ID: 1958906). Invitae Evidence Modeling of protein sequence and biophysical properties (such as structural, functional, and spatial information, amino acid conservation, physicochemical variation, residue mobility, and thermodynamic stability) indicates that this missense variant is not expected to disrupt DCTN1 protein function with a negative predictive value of 95%. In summary, the available evidence is currently insufficient to determine the role of this variant in disease. Therefore, it has been classified as a Variant of Uncertain Significance.

NM_004082.5(DCTN1):c.3350C>G (p.Ala1117Gly)

Gene: DCTN1 (dynactin subunit 1; minus strand). Cytogenetic location: 2p13.1.
Variant type: single nucleotide variant.
Coding change: c.3350C>G on transcript NM_004082.5 (MANE Select); coding-DNA position 3350, C replaced by G.
Protein change: p.Ala1117Gly; replaces alanine 1117 with glycine.
Molecular consequence: missense variant. On other transcripts: non-coding transcript variant (1).
Genome position (GRCh38, 1-based): chr2:74,363,173, G>C on the plus strand (C>G on the coding strand, the complement: DCTN1 is on the minus strand). VCF-style: chr2-74363173-G-C. GRCh37 (hg19) VCF-style: chr2-74590300-G-C.
Other names: c.3275C>G, p.Ala1092Gly (NM_001135040.3); c.2933C>G, p.Ala978Gly (NM_001135041.3); c.3224C>G, p.Ala1075Gly (NM_001190836.2); c.3329C>G, p.Ala1110Gly (NM_001190837.2); c.3299C>G, p.Ala1100Gly (NM_001378991.1); c.3281C>G, p.Ala1094Gly (NM_001378992.1); c.2948C>G, p.Ala983Gly (NM_023019.4); short protein forms A1094G, A1117G, A1075G, A1110G, A983G, A1092G, A1100G, A978G.
Identifiers: ClinVar variation 1958906 (VCV001958906.5), dbSNP rs778710224, ClinGen allele CA347337419.